The following is an entry in ClinVar:

NM_001145809.2(MYH14):c.2718G>A (p.Thr906=)

Gene: MYH14 (myosin heavy chain 14; plus strand). Cytogenetic location: 19q13.33.
Variant type: single nucleotide variant.
Coding change: c.2718G>A on transcript NM_001145809.2 (MANE Select); coding-DNA position 2718, G replaced by A.
Protein change: p.Thr906=; no amino-acid change (threonine 906 retained).
Molecular consequence: synonymous variant.
Genome position (GRCh38, 1-based): chr19:50,266,900, G>A. VCF-style: chr19-50266900-G-A. GRCh37 (hg19) VCF-style: chr19-50770157-G-A.
Other names: c.2619G>A, p.Thr873= (NM_001077186.2); c.2595G>A, p.Thr865= (NM_024729.4).
Identifiers: ClinVar variation 2650309 (VCV002650309.24), dbSNP rs1188318580, ClinGen allele CA508175839.

ClinVar aggregate classification (germline): Likely benign (1 of 4 stars; one submission).

Allele frequency attached by ClinVar (database versions not stated): gnomAD exomes below 0.00001.
gnomAD v4.1: 6 of 1,551,986 alleles (0.00039%); highest among the groups gnomAD compares: Non-Finnish European, 0.00052%; no homozygotes.

Submission:

CeGaT Center for Human Genetics Tuebingen
Classification: Likely benign. Last evaluated: 2023-03-01. Review status: criteria provided, single submitter. Criteria: CeGaT Center For Human Genetics Tuebingen Variant Classification Criteria Version 2. Collection method: clinical testing. Allele origin: germline. Affected: yes. Observed: 1 variant allele.
Comment: MYH14: BP4, BP7